The following is an entry in ClinVar:

NM_005886.3(KATNB1):c.1016G>A (p.Arg339Gln)

Gene: KATNB1 (katanin regulatory subunit B1; plus strand). Cytogenetic location: 16q21.
Variant type: single nucleotide variant.
Coding change: c.1016G>A on transcript NM_005886.3 (MANE Select); coding-DNA position 1016, G replaced by A.
Protein change: p.Arg339Gln; replaces arginine 339 with glutamine.
Molecular consequence: missense variant.
Genome position (GRCh38, 1-based): chr16:57,753,237, G>A. VCF-style: chr16-57753237-G-A. GRCh37 (hg19) VCF-style: chr16-57787149-G-A.
Other names: short protein forms R339Q.
Identifiers: ClinVar variation 2164216 (VCV002164216.1), dbSNP rs375862120, ClinGen allele CA8080976.

ClinVar aggregate classification (germline): Uncertain significance (1 of 4 stars; one submission).

Allele frequency attached by ClinVar (database versions not stated): gnomAD 0.00001; TOPMed 0.00002.
gnomAD v4.1: 11 of 1,602,380 alleles (0.00069%); highest among the groups gnomAD compares: Middle Eastern, 0.016%; no homozygotes.

Submission:

Labcorp Genetics (formerly Invitae), Labcorp
Classification: Uncertain significance. Last evaluated: 2021-08-08. Review status: criteria provided, single submitter. Criteria: Invitae Variant Classification Sherloc (09022015). Collection method: clinical testing. Allele origin: germline.
Comment: This sequence change replaces arginine with glutamine at codon 339 of the KATNB1 protein (p.Arg339Gln). The arginine residue is highly conserved and there is a small physicochemical difference between arginine and glutamine. This variant is present in population databases (rs375862120, ExAC 0.004%). This variant has not been reported in the literature in individuals affected with KATNB1-related conditions. Algorithms developed to predict the effect of missense changes on protein structure and function (SIFT, PolyPhen-2, Align-GVGD) all suggest that this variant is likely to be disruptive. Algorithms developed to predict the effect of sequence changes on RNA splicing suggest that this variant may create or strengthen a splice site. In summary, the available evidence is currently insufficient to determine the role of this variant in disease. Therefore, it has been classified as a Variant of Uncertain Significance.